The following is an entry in ClinVar:

ClinVar aggregate classification (germline): Uncertain significance (1 of 4 stars; one submission).

gnomAD v4.1: 1 of 1,613,698 alleles (0.000062%); no homozygotes.

Submission:

GeneDx
Classification: Uncertain significance. Last evaluated: 2019-05-30. Review status: criteria provided, single submitter. Criteria: GeneDx Variant Classification Process June 2021. Collection method: clinical testing. Allele origin: germline. Affected: yes.
Comment: Not observed in large population cohorts (Lek et al., 2016); In silico analysis, which includes protein predictors and evolutionary conservation, supports that this variant does not alter protein structure/function; Has not been previously published as pathogenic or benign to our knowledge; Variants in candidate genes are classified as variants of uncertain significance in accordance with ACMG guidelines (Richards et al., 2015)

NM_014712.3(SETD1A):c.964A>G (p.Thr322Ala)

Gene: SETD1A (SET domain containing 1A, histone lysine methyltransferase; plus strand). Cytogenetic location: 16p11.2.
Variant type: single nucleotide variant.
Coding change: c.964A>G on transcript NM_014712.3 (MANE Select); coding-DNA position 964, A replaced by G.
Protein change: p.Thr322Ala; replaces threonine 322 with alanine.
Molecular consequence: missense variant.
Genome position (GRCh38, 1-based): chr16:30,964,706, A>G. VCF-style: chr16-30964706-A-G. GRCh37 (hg19) VCF-style: chr16-30976027-A-G.
Other names: short protein forms T322A.
Identifiers: ClinVar variation 1320802 (VCV001320802.2), dbSNP rs2143488294, ClinGen allele CA395651834.